The following is an entry in ClinVar:

ClinVar aggregate classification (germline): Pathogenic/Likely pathogenic. Review status: criteria provided, multiple submitters, no conflicts (2 of 4 stars). 2 submissions from 2 submitters: Pathogenic (1); Likely pathogenic (1). Last evaluated 2024-07-05.

Conditions:
DNAH9-related disorder. Also called: DNAH9-related condition.

Allele frequency attached by ClinVar (database versions not stated): ExAC 0.00001; gnomAD 0.00005; TOPMed 0.00006; ESP Exome Variant Server 0.00015.
gnomAD v4.1: 108 of 1,613,910 alleles (0.0067%); highest among the groups gnomAD compares: Middle Eastern, 0.016%; no homozygotes.

Submissions (2):

Labcorp Genetics (formerly Invitae), Labcorp
Classification: Pathogenic. Last evaluated: 2024-07-05. Review status: criteria provided, single submitter. Criteria: Invitae Variant Classification Sherloc (09022015). Collection method: clinical testing. Allele origin: germline.
Comment: This sequence change creates a premature translational stop signal (p.Arg4065*) in the DNAH9 gene. It is expected to result in an absent or disrupted protein product. Loss-of-function variants in DNAH9 are known to be pathogenic (PMID: 30471718). This variant is present in population databases (rs138149656, gnomAD 0.006%). This variant has not been reported in the literature in individuals affected with DNAH9-related conditions. ClinVar contains an entry for this variant (Variation ID: 2632107). For these reasons, this variant has been classified as Pathogenic.

PreventionGenetics, part of Exact Sciences
Classification: Likely pathogenic for DNAH9-related condition. Last evaluated: 2023-09-13. Review status: criteria provided, single submitter. Criteria: ACMG Guidelines, 2015. Collection method: clinical testing. Allele origin: germline.
Comment: The DNAH9 c.12193C>T variant is predicted to result in premature protein termination (p.Arg4065*). To our knowledge, this variant has not been reported in the literature. This variant is reported in 0.0056% of alleles in individuals of Latino descent in gnomAD. Nonsense variants in DNAH9 are expected to be pathogenic. This variant is interpreted as likely pathogenic.

Literature cited by the submitters: PubMed 30471718 (cited by Labcorp Genetics (formerly Invitae), Labcorp).

NM_001372.4(DNAH9):c.12193C>T (p.Arg4065Ter)

Gene: DNAH9 (dynein axonemal heavy chain 9; plus strand). Cytogenetic location: 17p12.
Variant type: single nucleotide variant.
Coding change: c.12193C>T on transcript NM_001372.4 (MANE Select); coding-DNA position 12193, C replaced by T.
Protein change: p.Arg4065Ter; replaces arginine 4065 with a stop codon.
Molecular consequence: nonsense.
Genome position (GRCh38, 1-based): chr17:11,932,101, C>T. VCF-style: chr17-11932101-C-T. GRCh37 (hg19) VCF-style: chr17-11835418-C-T.
Other names: c.1129C>T, p.Arg377Ter (NM_004662.2); short protein forms R377*, R4065*.
Identifiers: ClinVar variation 2632107 (VCV002632107.4), dbSNP rs138149656, ClinGen allele CA8398085.